The following is an entry in ClinVar:

ClinVar aggregate classification (germline): Uncertain significance (1 of 4 stars; one submission).

Conditions:
CEBALID syndrome (CEBALID). Also called: MN1 C-TERMINAL TRUNCATION SYNDROME; CRANIOFACIAL DEFECTS, DYSMORPHIC EARS, STRUCTURAL BRAIN ABNORMALITIES, EXPRESSIVE LANGUAGE DELAY, AND IMPAIRED INTELLECTUAL DEVELOPMENT. Identifiers: Orphanet 693549, MedGen C5394044, MONDO:0032908, OMIM 618774.

Submission:

Baylor Genetics
Classification: Uncertain significance for CEBALID syndrome. Last evaluated: 2020-10-30. Review status: criteria provided, single submitter. Criteria: ACMG Guidelines, 2015. Collection method: clinical testing. Allele origin: unknown. Affected: yes.
Comment: This variant was determined to be of uncertain significance according to ACMG Guidelines, 2015 [PMID:25741868].

NM_002430.3(MN1):c.1915C>A (p.Pro639Thr)

Gene: MN1 (MN1 proto-oncogene, transcriptional regulator; minus strand). Cytogenetic location: 22q12.1.
Variant type: single nucleotide variant.
Coding change: c.1915C>A on transcript NM_002430.3 (MANE Select); coding-DNA position 1915, C replaced by A.
Protein change: p.Pro639Thr; replaces proline 639 with threonine.
Molecular consequence: missense variant.
Genome position (GRCh38, 1-based): chr22:27,798,629, G>T on the plus strand (C>A on the coding strand, the complement: MN1 is on the minus strand). VCF-style: chr22-27798629-G-T. GRCh37 (hg19) VCF-style: chr22-28194617-G-T.
Other names: short protein forms P639T.
Identifiers: ClinVar variation 1030554 (VCV001030554.1), dbSNP rs1933357660, ClinGen allele CA411046745.